The following is an entry in ClinVar:

NM_001994.3(F13B):c.*143G>A

Gene: F13B (coagulation factor XIII B chain; minus strand). Cytogenetic location: 1q31.3.
Variant type: single nucleotide variant.
Coding change: c.*143G>A on transcript NM_001994.3 (MANE Select); 143 bases downstream of the stop codon, G replaced by A.
Molecular consequence: 3 prime UTR variant.
Genome position (GRCh38, 1-based): chr1:197,039,235, C>T on the plus strand (G>A on the coding strand, the complement: F13B is on the minus strand). VCF-style: chr1-197039235-C-T. GRCh37 (hg19) VCF-style: chr1-197008365-C-T.
Identifiers: ClinVar variation 294566 (VCV000294566.9), dbSNP rs698859, ClinGen allele CA10608682.

ClinVar aggregate classification (germline): Benign. Review status: criteria provided, multiple submitters, no conflicts (2 of 4 stars). 3 submissions from 3 submitters: Benign (3). Last evaluated 2018-11-10.

Conditions:
Factor XIII, b subunit, deficiency of. Also called: Factor XIII subunit B deficiency. Identifiers: Orphanet 331, MedGen C2750481, MONDO:0013190, OMIM 613235, HP:0040234.

Allele frequency attached by ClinVar (database versions not stated): 1000 Genomes Project 30x 0.22751; 1000 Genomes Project 0.22843; TOPMed 0.30123; gnomAD 0.31871 and 0.31980.

Submissions (3):

GeneDx
Classification: Benign. Last evaluated: 2018-11-10. Review status: criteria provided, single submitter. Criteria: GeneDx Variant Classification Process June 2021. Collection method: clinical testing. Allele origin: germline. Affected: yes.

Illumina Laboratory Services, Illumina
Classification: Benign for Factor XIII, b subunit, deficiency of. Last evaluated: 2018-01-13. Review status: criteria provided, single submitter. Criteria: ICSL Variant Classification Criteria 13 December 2019. Collection method: clinical testing. Allele origin: germline.
Comment: This variant was observed in the ICSL laboratory as part of a predisposition screen in an ostensibly healthy population. It had not been previously curated by ICSL or reported in the Human Gene Mutation Database (HGMD: prior to June 1st, 2018), and was therefore a candidate for classification through an automated scoring system. Utilizing variant allele frequency, disease prevalence and penetrance estimates, and inheritance mode, an automated score was calculated to assess if this variant is too frequent to cause the disease. Based on the score and internal cut-off values, a variant classified as benign is not then subjected to further curation. The score for this variant resulted in a classification of benign for this disease.

Breakthrough Genomics
Classification: Benign. Review status: criteria provided, single submitter. Criteria: ACMG Guidelines, 2015. Collection method: not provided. Allele origin: germline. Inheritance: Autosomal recessive inheritance. Affected: yes.